The following is an entry in ClinVar:

ClinVar aggregate classification (germline): Likely benign. Review status: criteria provided, multiple submitters, no conflicts (2 of 4 stars). 2 submissions from 2 submitters: Likely benign (2). Last evaluated 2025-04-16.

Conditions:
PCNT-related disorder. Also called: PCNT-related condition.

Allele frequency attached by ClinVar (database versions not stated): ExAC 0.00001; gnomAD exomes 0.00001 and 0.00004; gnomAD 0.00005 and 0.00006; TOPMed 0.00005; ESP Exome Variant Server 0.00008.
gnomAD v4.1: 59 of 1,613,896 alleles (0.0037%); highest among the groups gnomAD compares: Non-Finnish European, 0.0049%; no homozygotes.

Submissions (2):

PreventionGenetics, part of Exact Sciences
Classification: Likely benign for PCNT-related condition. Last evaluated: 2025-04-16. Review status: criteria provided, single submitter. Criteria: ACMG Guidelines, 2015. Collection method: clinical testing. Allele origin: germline.
Comment: This variant is classified as likely benign based on ACMG/AMP sequence variant interpretation guidelines (Richards et al. 2015 PMID: 25741868, with internal and published modifications).

Labcorp Genetics (formerly Invitae), Labcorp
Classification: Likely benign. Last evaluated: 2025-02-15. Review status: criteria provided, single submitter. Criteria: Invitae Variant Classification Sherloc (09022015). Collection method: clinical testing. Allele origin: germline.

NM_006031.6(PCNT):c.7302C>A (p.Leu2434=)

Gene: PCNT (pericentrin; plus strand). Cytogenetic location: 21q22.3.
Variant type: single nucleotide variant.
Coding change: c.7302C>A on transcript NM_006031.6 (MANE Select); coding-DNA position 7302, C replaced by A.
Protein change: p.Leu2434=; no amino-acid change (leucine 2434 retained).
Molecular consequence: synonymous variant.
Genome position (GRCh38, 1-based): chr21:46,425,953, C>A. VCF-style: chr21-46425953-C-A. GRCh37 (hg19) VCF-style: chr21-47845867-C-A.
Other names: c.6948C>A, p.Leu2316= (NM_001315529.2); c.7302C>A (NM_006031.5).
Identifiers: ClinVar variation 1626861 (VCV001626861.9), dbSNP rs369252735, ClinGen allele CA10080602.